The following is an entry in ClinVar:

ClinVar aggregate classification (germline): Likely benign (1 of 4 stars; one submission).

Allele frequency attached by ClinVar (database versions not stated): 1000 Genomes Project 30x 0.00156; gnomAD 0.00198.
gnomAD v4.1: 3,313 of 1,547,522 alleles (0.21%); highest among the groups gnomAD compares: Non-Finnish European, 0.26%; 87 homozygotes.

Submission:

CeGaT Center for Human Genetics Tuebingen
Classification: Likely benign. Last evaluated: 2025-07-01. Review status: criteria provided, single submitter. Criteria: CeGaT Center For Human Genetics Tuebingen Variant Classification Criteria Version 2. Collection method: clinical testing. Allele origin: germline. Affected: yes. Observed: 3 variant alleles.
Comment: NPIPA5: BP4, BS2

NM_001277325.2(NPIPA5):c.219G>A (p.Pro73=)

Gene: NPIPA5 (nuclear pore complex interacting protein family member A5; minus strand). Cytogenetic location: 16p13.11.
Variant type: single nucleotide variant.
Coding change: c.219G>A on transcript NM_001277325.2 (MANE Select); coding-DNA position 219, G replaced by A.
Protein change: p.Pro73=; no amino-acid change (proline 73 retained).
Molecular consequence: synonymous variant.
Genome position (GRCh38, 1-based): chr16:15,370,093, C>T on the plus strand (G>A on the coding strand, the complement: NPIPA5 is on the minus strand). VCF-style: chr16-15370093-C-T. GRCh37 (hg19) VCF-style: chr16-15463950-C-T.
Other names: c.219G>A, p.Pro73= (NM_001351200.1).
Identifiers: ClinVar variation 2646249 (VCV002646249.24), dbSNP rs199859991, ClinGen allele CA278974480.